The following is an entry in ClinVar:

NM_000093.5(COL5A1):c.2997C>T (p.Val999=)

Gene: COL5A1 (collagen type V alpha 1 chain; plus strand). Cytogenetic location: 9q34.3.
Variant type: single nucleotide variant.
Coding change: c.2997C>T on transcript NM_000093.5 (MANE Select); coding-DNA position 2997, C replaced by T.
Protein change: p.Val999=; no amino-acid change (valine 999 retained).
Molecular consequence: synonymous variant.
Genome position (GRCh38, 1-based): chr9:134,801,998, C>T. VCF-style: chr9-134801998-C-T. GRCh37 (hg19) VCF-style: chr9-137693844-C-T.
Other names: p.Val999=; c.2997C>T, p.Val999= (NM_001278074.1).
Identifiers: ClinVar variation 255073 (VCV000255073.17), dbSNP rs201897490, ClinGen allele CA5319713.

ClinVar aggregate classification (germline): Benign/Likely benign. Review status: criteria provided, multiple submitters, no conflicts (2 of 4 stars). 8 submissions from 7 submitters: Benign (3); Likely benign (5). Last evaluated 2025-12-22.

Conditions:
Fibromuscular dysplasia, multifocal. Identifiers: MedGen C5543412, MONDO:0859151, OMIM 619329.
Ehlers-Danlos syndrome, classic type, 1 (EDSCL1). Also called: Ehlers-Danlos Syndrome, Classic Type, COL5A1-Related; EHLERS-DANLOS SYNDROME, GRAVIS TYPE; EHLERS-DANLOS SYNDROME, SEVERE CLASSIC TYPE; Ehlers-Danlos syndrome, type 1; EDS I. Identifiers: MedGen C0268335, MONDO:0019567, OMIM 130000.
Familial thoracic aortic aneurysm and aortic dissection (TAAD). Also called: Thoracic aortic aneurysms and dissections. Identifiers: Orphanet 91387, MedGen C4707243, MONDO:0019625.

Allele frequency attached by ClinVar (database versions not stated): gnomAD 0.00004; gnomAD exomes 0.00007; TOPMed 0.00012; ExAC 0.00013; 1000 Genomes Project 30x 0.00016.
gnomAD v4.1: 113 of 1,613,334 alleles (0.007%); highest among the groups gnomAD compares: East Asian, 0.13%; 1 homozygote.

Submissions (8):

Labcorp Genetics (formerly Invitae), Labcorp
Classification: Benign for Ehlers-Danlos syndrome, classic type, 1. Last evaluated: 2025-12-22. Review status: criteria provided, single submitter. Criteria: Invitae Variant Classification Sherloc (09022015). Collection method: clinical testing. Allele origin: germline.

Mayo Clinic Laboratories, Mayo Clinic
Classification: Likely benign. Last evaluated: 2025-10-24. Review status: criteria provided, single submitter. Criteria: ACMG Guidelines, 2015. Collection method: clinical testing. Allele origin: germline. Observed: 1 variant allele.
Comment: BS1, BP4, BP7

Blueprint Genetics
Classification: Likely benign. Last evaluated: 2024-04-04. Review status: criteria provided, single submitter. Criteria: ACMG Guidelines, 2015. Collection method: clinical testing. Allele origin: germline.

Ambry Genetics
Classification: Likely benign for Familial thoracic aortic aneurysm and aortic dissection. Last evaluated: 2024-03-04. Review status: criteria provided, single submitter. Criteria: Ambry Variant Classification Scheme 2023. Collection method: clinical testing. Allele origin: germline.

Genome-Nilou Lab
Classification: Benign for Ehlers-Danlos syndrome, classic type, 1. Last evaluated: 2022-03-15. Review status: criteria provided, single submitter. Criteria: ACMG Guidelines, 2015. Collection method: clinical testing. Allele origin: germline. Affected: no.

Genome-Nilou Lab
Classification: Benign for Fibromuscular dysplasia, multifocal. Last evaluated: 2022-03-15. Review status: criteria provided, single submitter. Criteria: ACMG Guidelines, 2015. Collection method: clinical testing. Allele origin: germline. Affected: no.

GeneDx
Classification: Likely benign. Last evaluated: 2017-04-05. Review status: criteria provided, single submitter. Criteria: GeneDx Variant Classification (06012015). Collection method: clinical testing. Allele origin: germline. Affected: yes.
Comment: This variant is considered likely benign or benign based on one or more of the following criteria: it is a conservative change, it occurs at a poorly conserved position in the protein, it is predicted to be benign by multiple in silico algorithms, and/or has population frequency not consistent with disease.

PreventionGenetics, part of Exact Sciences
Classification: Likely benign. Review status: criteria provided, single submitter. Criteria: ACMG Guidelines, 2015. Collection method: clinical testing. Allele origin: germline.